The following is an entry in ClinVar:

ClinVar aggregate classification (germline): Uncertain significance (1 of 4 stars; one submission).

Submission:

GeneDx
Classification: Uncertain significance. Last evaluated: 2024-10-06. Review status: criteria provided, single submitter. Criteria: GeneDx Variant Classification Process June 2021. Collection method: clinical testing. Allele origin: germline. Affected: yes.
Comment: Not observed at significant frequency in large population cohorts (gnomAD); In silico analysis supports that this missense variant has a deleterious effect on protein structure/function; Has not been previously published as pathogenic or benign to our knowledge

NM_020791.4(TAOK1):c.1459G>C (p.Ala487Pro)

Gene: TAOK1 (TAO kinase 1; plus strand). Cytogenetic location: 17q11.2.
Variant type: single nucleotide variant.
Coding change: c.1459G>C on transcript NM_020791.4 (MANE Select); coding-DNA position 1459, G replaced by C.
Protein change: p.Ala487Pro; replaces alanine 487 with proline.
Molecular consequence: missense variant.
Genome position (GRCh38, 1-based): chr17:29,508,016, G>C. VCF-style: chr17-29508016-G-C. GRCh37 (hg19) VCF-style: chr17-27835034-G-C.
Other names: c.1459G>C, p.Ala487Pro (NM_025142.1); short protein forms A487P.
Identifiers: ClinVar variation 3776724 (VCV003776724.1).